The following is an entry in ClinVar:

NM_000135.4(FANCA):c.1083+5G>A

Gene: FANCA (FA complementation group A; minus strand). Cytogenetic location: 16q24.3.
Variant type: single nucleotide variant.
Coding change: c.1083+5G>A on transcript NM_000135.4 (MANE Select); 5 bases into the intron after coding-DNA position 1083, G replaced by A.
Molecular consequence: intron variant.
Genome position (GRCh38, 1-based): chr16:89,792,466, C>T on the plus strand (G>A on the coding strand, the complement: FANCA is on the minus strand). VCF-style: chr16-89792466-C-T. GRCh37 (hg19) VCF-style: chr16-89858874-C-T.
Other names: c.1083+5G>A (NM_001286167.3).
Identifiers: ClinVar variation 1424010 (VCV001424010.3), dbSNP rs1412210234, ClinGen allele CA2573152781.

ClinVar aggregate classification (germline): Uncertain significance (1 of 4 stars; one submission).

Conditions:
Fanconi anemia (FA). Also called: Fanconi's anemia. Identifiers: Orphanet 84, MedGen C0015625, MeSH D005199, MONDO:0019391.

Submission:

Labcorp Genetics (formerly Invitae), Labcorp
Classification: Uncertain significance for Fanconi anemia. Last evaluated: 2021-07-01. Review status: criteria provided, single submitter. Criteria: Invitae Variant Classification Sherloc (09022015). Collection method: clinical testing. Allele origin: germline.
Comment: This sequence change falls in intron 12 of the FANCA gene. It does not directly change the encoded amino acid sequence of the FANCA protein. It affects a nucleotide within the consensus splice site of the intron. This variant is not present in population databases (ExAC no frequency). This variant has not been reported in the literature in individuals affected with FANCA-related conditions. Nucleotide substitutions within the consensus splice site are a relatively common cause of aberrant splicing (PMID: 17576681, 9536098). Algorithms developed to predict the effect of sequence changes on RNA splicing suggest that this variant may disrupt the consensus splice site. In summary, the available evidence is currently insufficient to determine the role of this variant in disease. Therefore, it has been classified as a Variant of Uncertain Significance.

Literature cited by the submitters: PubMed 17576681; PubMed 9536098.